The following is an entry in ClinVar:

NM_002734.5(PRKAR1A):c.1029C>T (p.Gly343=)

Gene: PRKAR1A (protein kinase cAMP-dependent type I regulatory subunit alpha; plus strand). Cytogenetic location: 17q24.2.
Variant type: single nucleotide variant.
Coding change: c.1029C>T on transcript NM_002734.5 (MANE Select); coding-DNA position 1029, C replaced by T.
Protein change: p.Gly343=; no amino-acid change (glycine 343 retained).
Molecular consequence: synonymous variant. On other transcripts: intron variant (1).
Genome position (GRCh38, 1-based): chr17:68,530,332, C>T. VCF-style: chr17-68530332-C-T. GRCh37 (hg19) VCF-style: chr17-66526473-C-T.
Other names: p.Gly343=; c.1029C>T, p.Gly343= (NM_001276289.2, NM_001278433.2, NM_001369389.1 and 3 more transcripts); c.973+331C>T (NM_001276290.1); c.1029C>T (NM_212471.2).
Identifiers: ClinVar variation 239381 (VCV000239381.26), dbSNP rs1803241, ClinGen allele CA8729458.

ClinVar aggregate classification (germline): Benign/Likely benign. Review status: criteria provided, multiple submitters, no conflicts (2 of 4 stars). 10 submissions from 10 submitters: Benign (6); Likely benign (4). Last evaluated 2026-01-31.

Conditions:
Carney complex, type 1 (CNC1). Also called: CARNEY COMPLEX, TYPE I; CARNEY MYXOMA-ENDOCRINE COMPLEX. Identifiers: Orphanet 1359, MedGen C2607929, MONDO:0008057, OMIM 160980.
Familial atrial myxoma. Identifiers: Orphanet 615, MedGen C2931787, MONDO:0009719, OMIM 255960.
Hereditary cancer-predisposing syndrome. Also called: Neoplastic Syndromes, Hereditary; Hereditary Cancer Syndrome; Tumor predisposition; Hereditary neoplastic syndrome. Identifiers: Orphanet 140162, MedGen C0027672, MeSH D009386, MONDO:0015356.

Allele frequency attached by ClinVar (database versions not stated): gnomAD exomes 0.00023 and 0.00060; ExAC 0.00068; ESP Exome Variant Server 0.00223; gnomAD 0.00245 and 0.00265; TOPMed 0.00269; 1000 Genomes Project 0.00280; 1000 Genomes Project 30x 0.00359.
gnomAD v4.1: 733 of 1,614,078 alleles (0.045%); highest among the groups gnomAD compares: African/African-American, 0.87%; 3 homozygotes.

Submissions (10):

Labcorp Genetics (formerly Invitae), Labcorp
Classification: Benign for Carney complex, type 1. Last evaluated: 2026-01-31. Review status: criteria provided, single submitter. Criteria: Invitae Variant Classification Sherloc (09022015). Collection method: clinical testing. Allele origin: germline.

Mayo Clinic Laboratories, Mayo Clinic
Classification: Likely benign. Last evaluated: 2025-08-14. Review status: criteria provided, single submitter. Criteria: ACMG Guidelines, 2015. Collection method: clinical testing. Allele origin: germline. Observed: 1 variant allele.
Comment: BS1, BP4, BP7

Blueprint Genetics
Classification: Likely benign. Last evaluated: 2024-11-04. Review status: criteria provided, single submitter. Criteria: ACMG Guidelines, 2015. Collection method: clinical testing. Allele origin: germline.

KCCC/NGS Laboratory, Kuwait Cancer Control Center
Classification: Benign for Familial atrial myxoma. Last evaluated: 2023-07-07. Review status: criteria provided, single submitter. Criteria: ACMG Guidelines, 2015. Collection method: clinical testing. Allele origin: germline. Affected: yes.

Sema4
Classification: Benign for Hereditary cancer-predisposing syndrome. Last evaluated: 2020-12-03. Review status: criteria provided, single submitter. Criteria: Sema4 Curation Guidelines. Collection method: curation. Allele origin: germline.

GeneDx
Classification: Likely benign. Last evaluated: 2019-12-31. Review status: criteria provided, single submitter. Criteria: GeneDx Variant Classification Process June 2021. Collection method: clinical testing. Allele origin: germline. Affected: yes.

Ambry Genetics
Classification: Likely benign for Hereditary cancer-predisposing syndrome. Last evaluated: 2017-06-29. Review status: criteria provided, single submitter. Criteria: Ambry Variant Classification Scheme 2023. Collection method: clinical testing. Allele origin: germline.

Women's Health and Genetics/Laboratory Corporation of America, LabCorp
Classification: Benign. Last evaluated: 2017-02-02. Review status: criteria provided, single submitter. Criteria: LabCorp Variant Classification Summary - May 2015. Collection method: clinical testing. Allele origin: germline.
Comment: Variant summary: The PRKAR1A c.1029C>T (p.Gly343Gly) variant involves the alteration of a non-conserved nucleotide, resulting in a synonymous change. One in silico tool predicts a damaging outcome for this variant. 3/5 splice prediction tools predict no significant impact on normal splicing. ESE finder predicts that this variant may affect ESE sites. However, these predictions have yet to be confirmed by functional studies. This variant was found in 82/121404 control chromosomes, predominantly observed in the African subpopulation at a frequency of 0.007688 (80/10406). This frequency is about 4100 times the estimated maximal expected allele frequency of a pathogenic PRKAR1A variant (0.0000019), suggesting this is likely a benign polymorphism found primarily in the populations of African origin. In addition, multiple clinical diagnostic laboratories/reputable databases classified this variant as benign. The variant of interest has not, to our knowledge, been reported in affected individuals via publications; nor evaluated for functional impact by in vivo/vitro studies. Taken together, this variant is classified as benign.

Eurofins Ntd Llc (ga)
Classification: Benign. Last evaluated: 2016-09-05. Review status: criteria provided, single submitter. Criteria: EGL Classification Definitions 2015. Collection method: clinical testing. Allele origin: germline. Observed: 1 variant allele, 1 heterozygote.

PreventionGenetics, part of Exact Sciences
Classification: Benign. Review status: criteria provided, single submitter. Criteria: ACMG Guidelines, 2015. Collection method: clinical testing. Allele origin: germline.